The following is an entry in ClinVar:

ClinVar aggregate classification (germline): Likely benign (1 of 4 stars; one submission).

Allele frequency attached by ClinVar (database versions not stated): gnomAD 0.00001.
gnomAD v4.1: 1 of 1,614,008 alleles (0.000062%); highest among the groups gnomAD compares: African/African-American, 0.0013%; no homozygotes.

Submission:

GeneDx
Classification: Likely benign. Last evaluated: 2016-09-28. Review status: criteria provided, single submitter. Criteria: GeneDx Variant Classification (06012015). Collection method: clinical testing. Allele origin: germline. Affected: yes.
Comment: This variant is considered likely benign or benign based on one or more of the following criteria: it is a conservative change, it occurs at a poorly conserved position in the protein, it is predicted to be benign by multiple in silico algorithms, and/or has population frequency not consistent with disease.

NM_000051.4(ATM):c.7035A>G (p.Leu2345=)

Genes: ATM (ATM serine/threonine kinase; plus strand), C11orf65 (chromosome 11 open reading frame 65; minus strand). Cytogenetic location: 11q22.3.
Variant type: single nucleotide variant.
Coding change: c.7035A>G on transcript NM_000051.4 (MANE Select); coding-DNA position 7035, A replaced by G.
Protein change: p.Leu2345=; no amino-acid change (leucine 2345 retained).
Molecular consequence: synonymous variant. On other transcripts: intron variant (2).
Genome position (GRCh38, 1-based): chr11:108,327,704, A>G. VCF-style: chr11-108327704-A-G. GRCh37 (hg19) VCF-style: chr11-108198431-A-G.
Other names: c.7035A>G, p.Leu2345= (NM_001351834.2); c.641-18633T>C (NM_001330368.2); c.*38+7516T>C (NM_001351110.2).
Identifiers: ClinVar variation 389717 (VCV000389717.3), dbSNP rs1057523514, ClinGen allele CA16605823.